The following is an entry in ClinVar:

NM_000302.4(PLOD1):c.1790del (p.Pro597fs)

Gene: PLOD1 (procollagen-lysine,2-oxoglutarate 5-dioxygenase 1; plus strand). Cytogenetic location: 1p36.22.
Variant type: Deletion.
Coding change: c.1790del on transcript NM_000302.4 (MANE Select); coding-DNA position 1790, one base deleted (C; older notation c.1790delC).
Protein change: p.Pro597fs; shifts the reading frame from proline 597.
Molecular consequence: frameshift variant.
Genome position (GRCh38, 1-based): chr1:11,970,704, C deleted; the last of 2 consecutive C bases (chr1:11,970,703-11,970,704); deleting either gives the same sequence. VCF-style (leftmost placement, unchanged base first): chr1-11970702-GC-G. GRCh37 (hg19) VCF-style: chr1-12030759-GC-G.
Other names: c.1931del, p.Pro644fs (NM_001316320.2); short protein forms P644fs, P597fs.
Identifiers: ClinVar variation 2450248 (VCV002450248.2), dbSNP rs2522874923, ClinGen allele CA2580060559.

ClinVar aggregate classification (germline): Pathogenic (1 of 4 stars; one submission).

Conditions:
Familial thoracic aortic aneurysm and aortic dissection (TAAD). Also called: Thoracic aortic aneurysms and dissections. Identifiers: Orphanet 91387, MedGen C4707243, MONDO:0019625.

Submission:

Ambry Genetics
Classification: Pathogenic for Familial thoracic aortic aneurysm and aortic dissection. Last evaluated: 2023-01-18. Review status: criteria provided, single submitter. Criteria: Ambry Variant Classification Scheme 2023. Collection method: clinical testing. Allele origin: germline.
Comment: The c.1790delC pathogenic mutation, located in coding exon 17 of the PLOD1 gene, results from a deletion of one nucleotide at nucleotide position 1790, causing a translational frameshift with a predicted alternate stop codon (p.P597Rfs*7). This variant is considered to be rare based on population cohorts in the Genome Aggregation Database (gnomAD). This alteration is expected to result in loss of function by premature protein truncation or nonsense-mediated mRNA decay. As such, this alteration is interpreted as a disease-causing mutation.